The following is an entry in ClinVar:

ClinVar aggregate classification (germline): Pathogenic/Likely pathogenic. Review status: criteria provided, multiple submitters, no conflicts (2 of 4 stars). 2 submissions from 2 submitters: Pathogenic (1); Likely pathogenic (1). Last evaluated 2022-04-01.

Conditions:
Dowling-Degos disease 1. Identifiers: Orphanet 79145, MedGen C4552092, MONDO:0024534, OMIM 179850.

Submissions (2):

Laboratorio de Genetica e Diagnostico Molecular, Hospital Israelita Albert Einstein
Classification: Likely pathogenic for Dowling-Degos disease 1. Last evaluated: 2022-04-01. Review status: criteria provided, single submitter. Criteria: ACMG Guidelines, 2015. Collection method: clinical testing. Allele origin: germline. Affected: yes.
Comment: ACMG classification criteria: PS4 supporting, PM2 moderated, PP1 strong

Labcorp Genetics (formerly Invitae), Labcorp
Classification: Pathogenic. Last evaluated: 2022-03-27. Review status: criteria provided, single submitter. Criteria: Invitae Variant Classification Sherloc (09022015). Collection method: clinical testing. Allele origin: germline.
Comment: For these reasons, this variant has been classified as Pathogenic. Advanced modeling of protein sequence and biophysical properties (such as structural, functional, and spatial information, amino acid conservation, physicochemical variation, residue mobility, and thermodynamic stability) performed at Invitae indicates that this missense variant is expected to disrupt KRT5 protein function. This missense change has been observed in individual(s) with autosomal dominant epidermolysis bullosa simplex (PMID: 22005030). It has also been observed to segregate with disease in related individuals. This variant is not present in population databases (gnomAD no frequency). This sequence change replaces lysine, which is basic and polar, with asparagine, which is neutral and polar, at codon 199 of the KRT5 protein (p.Lys199Asn).

Literature cited by the submitters: PubMed 22005030 (cited by Labcorp Genetics (formerly Invitae), Labcorp).

NM_000424.4(KRT5):c.597G>C (p.Lys199Asn)

Genes: KRT5 (keratin 5; minus strand), LOC126861526 (BRD4-independent group 4 enhancer GRCh37_chr12:52912066-52913265; plus strand). Cytogenetic location: 12q13.13.
Variant type: single nucleotide variant.
Coding change: c.597G>C on transcript NM_000424.4 (MANE Select); coding-DNA position 597, G replaced by C.
Protein change: p.Lys199Asn; replaces lysine 199 with asparagine.
Molecular consequence: missense variant.
Genome position (GRCh38, 1-based): chr12:52,519,119, C>G on the plus strand (G>C on the coding strand, the complement: KRT5 is on the minus strand). VCF-style: chr12-52519119-C-G. GRCh37 (hg19) VCF-style: chr12-52912903-C-G.
Other names: short protein forms K199N.
Identifiers: ClinVar variation 2137373 (VCV002137373.6), dbSNP rs2498407244, ClinGen allele CA384927877.